The following is an entry in ClinVar:

ClinVar aggregate classification (germline): Uncertain significance. Review status: criteria provided, multiple submitters, no conflicts (2 of 4 stars). 2 submissions from 2 submitters: Uncertain significance (2). Last evaluated 2025-08-03.

Conditions:
Interstitial lung disease due to ABCA3 deficiency. Also called: PULMONARY ALVEOLAR PROTEINOSIS, CONGENITAL, 3. Identifiers: Orphanet 440402, MedGen C1970456, MONDO:0012582, OMIM 610921.
Hereditary pulmonary alveolar proteinosis. Also called: Pulmonary surfactant metabolism dysfunction. Identifiers: Orphanet 264675, MedGen C3711368, MONDO:0012580.

Allele frequency attached by ClinVar (database versions not stated): gnomAD exomes below 0.00001; TOPMed below 0.00001; ExAC 0.00001; gnomAD 0.00001.
gnomAD v4.1: 2 of 1,614,050 alleles (0.00012%); highest among the groups gnomAD compares: African/African-American, 0.0027%; no homozygotes.

Submissions (2):

Ambry Genetics
Classification: Uncertain significance for Hereditary pulmonary alveolar proteinosis. Last evaluated: 2025-08-03. Review status: criteria provided, single submitter. Criteria: Ambry Variant Classification Scheme 2023. Collection method: clinical testing. Allele origin: germline.

Johns Hopkins Genomics, Johns Hopkins University
Classification: Uncertain significance for Interstitial lung disease due to ABCA3 deficiency. Last evaluated: 2019-09-25. Review status: criteria provided, single submitter. Criteria: ACMG Guidelines, 2015. Collection method: clinical testing. Allele origin: germline.
Comment: This ABCA3 variant (rs761336277) is rare (<0.1%) in a large population datasets (gnomAD: 1/250838 total alleles; 0.0003987%; no homozygotes), and has not been reported in the literature, to our knowledge. Of three bioinformatics tools queried, two predict that the substitution would be possibly damaging, while the third predicts that it would be tolerated. Additionally, the leucine residue at this position is evolutionarily conserved only among higher order species. The clinical significance of c.1313T>C is uncertain at this time.

NM_001089.3(ABCA3):c.1313T>C (p.Leu438Pro)

Gene: ABCA3 (ATP binding cassette subfamily A member 3; minus strand). Cytogenetic location: 16p13.3.
Variant type: single nucleotide variant.
Coding change: c.1313T>C on transcript NM_001089.3 (MANE Select); coding-DNA position 1313, T replaced by C.
Protein change: p.Leu438Pro; replaces leucine 438 with proline.
Molecular consequence: missense variant.
Genome position (GRCh38, 1-based): chr16:2,304,123, A>G on the plus strand (T>C on the coding strand, the complement: ABCA3 is on the minus strand). VCF-style: chr16-2304123-A-G. GRCh37 (hg19) VCF-style: chr16-2354124-A-G.
Other names: c.1313T>C (NM_001089.2); short protein forms L438P.
Identifiers: ClinVar variation 816672 (VCV000816672.4), dbSNP rs761336277, ClinGen allele CA7841276.